The following is an entry in ClinVar:

NM_005359.6(SMAD4):c.487G>C (p.Val163Leu)

Gene: SMAD4 (SMAD family member 4; plus strand). Cytogenetic location: 18q21.2.
Variant type: single nucleotide variant.
Coding change: c.487G>C on transcript NM_005359.6 (MANE Select); coding-DNA position 487, G replaced by C.
Protein change: p.Val163Leu; replaces valine 163 with leucine.
Molecular consequence: missense variant. On other transcripts: non-coding transcript variant (2).
Genome position (GRCh38, 1-based): chr18:51,054,813, G>C. VCF-style: chr18-51054813-G-C. GRCh37 (hg19) VCF-style: chr18-48581183-G-C.
Other names: c.487G>C, p.Val163Leu (NM_001407041.1, NM_001407042.1, NM_001407043.1); short protein forms V163L.
Identifiers: ClinVar variation 4559146 (VCV004559146.1).
Genomic context (GRCh38, chr18:51,054,813, plus strand): 5'-TTTAAAATATGTTTAATTTTCTATATAGCTCCATCAAGTATGATGGTGAAGGATGAATAT[G>C]TGCATGACTTTGAGGGACAGCCATCGTTGTCCACTGAAGGACATTCAATTCAAACCATCC-3'
Protein context (NP_005350.1, residues 153-173): PSSMMVKDEY[Val163Leu]HDFEGQPSLS

ClinVar aggregate classification (germline): Uncertain significance (1 of 4 stars; one submission).

Conditions:
Hereditary cancer-predisposing syndrome. Also called: Tumor predisposition; Hereditary Cancer Syndrome; Hereditary neoplastic syndrome; Neoplastic Syndromes, Hereditary. Identifiers: Orphanet 140162, MedGen C0027672, MeSH D009386, MONDO:0015356.
Familial thoracic aortic aneurysm and aortic dissection (TAAD). Also called: Thoracic aortic aneurysms and dissections. Identifiers: Orphanet 91387, MedGen C4707243, MONDO:0019625.

Submission:

Ambry Genetics
Classification: Uncertain significance for Hereditary cancer-predisposing syndrome; Familial thoracic aortic aneurysm and aortic dissection. Last evaluated: 2025-11-26. Review status: criteria provided, single submitter. Criteria: Ambry Variant Classification Scheme 2023. Collection method: clinical testing. Allele origin: germline.
Comment: The p.V163L variant (also known as c.487G>C), located in coding exon 4 of the SMAD4 gene, results from a G to C substitution at nucleotide position 487. The valine at codon 163 is replaced by leucine, an amino acid with highly similar properties. This amino acid position is conserved. In addition, the in silico prediction for this alteration is inconclusive. Based on the available evidence, the clinical significance of this variant remains unclear.